The following is an entry in ClinVar:

NM_001048174.2(MUTYH):c.378+11G>A

Gene: MUTYH (mutY DNA glycosylase; minus strand). Cytogenetic location: 1p34.1.
Variant type: single nucleotide variant.
Coding change: c.378+11G>A on transcript NM_001048174.2 (MANE Select); 11 bases into the intron after coding-DNA position 378, G replaced by A.
Molecular consequence: intron variant.
Genome position (GRCh38, 1-based): chr1:45,333,086, C>T on the plus strand (G>A on the coding strand, the complement: MUTYH is on the minus strand). VCF-style: chr1-45333086-C-T. GRCh37 (hg19) VCF-style: chr1-45798758-C-T.
Other names: c.102+11G>A (NM_001293192.2, NM_001293196.2); c.34-127G>A (NM_001350650.2, NM_001350651.2); c.378+11G>A (NM_001048171.2, NM_001048173.2, NM_001293195.2); c.423+11G>A (NM_001293190.2); c.453+11G>A (NM_012222.3); c.462+11G>A (NM_001128425.2); c.381+11G>A (NM_001048172.2); c.411+11G>A (NM_001293191.2).
Identifiers: ClinVar variation 1319310 (VCV001319310.11), dbSNP rs1557482167, ClinGen allele CA2473713072.

ClinVar aggregate classification (germline): Conflicting classifications of pathogenicity. Review status: criteria provided, conflicting classifications (1 of 4 stars). 3 submissions from 3 submitters: Uncertain significance (2); Likely benign (1). Last evaluated 2025-09-01.

Conditions:
Hereditary cancer-predisposing syndrome. Also called: Neoplastic Syndromes, Hereditary; Tumor predisposition; Hereditary Cancer Syndrome; Hereditary neoplastic syndrome. Identifiers: Orphanet 140162, MedGen C0027672, MeSH D009386, MONDO:0015356.
Familial adenomatous polyposis 2. Also called: MYH-associated polyposis; FAP type 2; MUTYH-associated polyposis; MUTYH-related attenuated familial adenomatous polyposis; Adenomas, multiple colorectal; COLORECTAL ADENOMATOUS POLYPOSIS, AUTOSOMAL RECESSIVE. Identifiers: Orphanet 220460, Orphanet 247798, MedGen C3272841, MONDO:0012041, OMIM 608456.

Allele frequency attached by ClinVar (database versions not stated): gnomAD exomes below 0.00001.

Submissions (3):

Labcorp Genetics (formerly Invitae), Labcorp
Classification: Likely benign for Familial adenomatous polyposis 2. Last evaluated: 2025-09-01. Review status: criteria provided, single submitter. Criteria: Invitae Variant Classification Sherloc (09022015). Collection method: clinical testing. Allele origin: germline.

Institute for Clinical Genetics, University Hospital TU Dresden, University Hospital TU Dresden
Classification: Uncertain significance. Last evaluated: 2021-11-03. Review status: criteria provided, single submitter. Criteria: ACMG Guidelines, 2015. Collection method: clinical testing. Allele origin: germline.

Ambry Genetics
Classification: Uncertain significance for Hereditary cancer-predisposing syndrome. Last evaluated: 2015-08-07. Review status: criteria provided, single submitter. Criteria: Ambry Variant Classification Scheme 2023. Collection method: clinical testing. Allele origin: germline.
Comment: The c.462+11G>A intronic alteration consists of a G to A substitution 1 nucleotides after coding exon 5 in the MUTYH gene. Based on insufficient or conflicting evidence, the clinical significance of this alteration remains unclear.